The following is an entry in ClinVar:

NM_006015.6(ARID1A):c.935C>G (p.Pro312Arg)

Genes: ARID1A (AT-rich interaction domain 1A; plus strand), LOC129929837 (ATAC-STARR-seq lymphoblastoid silent region 489; plus strand). Cytogenetic location: 1p36.11.
Variant type: single nucleotide variant.
Coding change: c.935C>G on transcript NM_006015.6 (MANE Select); coding-DNA position 935, C replaced by G.
Protein change: p.Pro312Arg; replaces proline 312 with arginine.
Molecular consequence: missense variant.
Genome position (GRCh38, 1-based): chr1:26,697,338, C>G. VCF-style: chr1-26697338-C-G. GRCh37 (hg19) VCF-style: chr1-27023829-C-G.
Other names: c.935C>G, p.Pro312Arg (NM_139135.4); short protein forms P312R.
Identifiers: ClinVar variation 1310869 (VCV001310869.3), dbSNP rs1159736980, ClinGen allele CA339266837.
Genomic context (GRCh38, chr1:26,697,338, plus strand): 5'-CCCCCACCCTCAACCAACTGCTCACGTCGCCCAGCTCGGCCCGGGGCTACCAGGGCTACC[C>G]CGGGGGCGACTACAGTGGCGGGCCCCAGGACGGGGGCGCCGGCAAGGGCCCGGCGGACAT-3'
Protein context (NP_006006.3, residues 302-322): PSSARGYQGY[Pro312Arg]GGDYSGGPQD

ClinVar aggregate classification (germline): Likely benign (1 of 4 stars; one submission).

Allele frequency attached by ClinVar (database versions not stated): TOPMed below 0.00001; gnomAD 0.00001.
gnomAD v4.1: 6 of 1,331,764 alleles (0.00045%); highest among the groups gnomAD compares: Non-Finnish European, 0.00057%; no homozygotes.

Submission:

GeneDx
Classification: Likely benign. Last evaluated: 2022-10-05. Review status: criteria provided, single submitter. Criteria: GeneDx Variant Classification Process June 2021. Collection method: clinical testing. Allele origin: germline. Affected: yes.
Comment: Not observed at significant frequency in large population cohorts (gnomAD); In silico analysis supports that this missense variant has a deleterious effect on protein structure/function; Missense variant in a gene in which most reported pathogenic variants are truncating/loss of function; Has not been previously published as pathogenic or benign to our knowledge